The following is an entry in ClinVar:

NM_173630.4(RTTN):c.6226A>T (p.Ile2076Phe)

Gene: RTTN (rotatin; minus strand). Cytogenetic location: 18q22.2.
Variant type: single nucleotide variant.
Coding change: c.6226A>T on transcript NM_173630.4 (MANE Select); coding-DNA position 6226, A replaced by T.
Protein change: p.Ile2076Phe; replaces isoleucine 2076 with phenylalanine.
Molecular consequence: missense variant.
Genome position (GRCh38, 1-based): chr18:70,017,602, T>A on the plus strand (A>T on the coding strand, the complement: RTTN is on the minus strand). VCF-style: chr18-70017602-T-A. GRCh37 (hg19) VCF-style: chr18-67684838-T-A.
Other names: c.3490A>T, p.Ile1164Phe (NM_001318520.2); c.6226A>T (NM_173630.3); short protein forms I2076F, I1164F.
Identifiers: ClinVar variation 1345531 (VCV001345531.8), dbSNP rs554677788, ClinGen allele CA8994714.

ClinVar aggregate classification (germline): Uncertain significance. Review status: criteria provided, multiple submitters, no conflicts (2 of 4 stars). 3 submissions from 3 submitters: Uncertain significance (3). Last evaluated 2023-11-27.

Conditions:
Microcephalic primordial dwarfism due to RTTN deficiency (MSSP). Also called: MICROCEPHALY, SHORT STATURE, AND POLYMICROGYRIA; Microcephaly, short stature, and polymicrogyria with or without seizures. Identifiers: Orphanet 468631, MedGen C3553831, MONDO:0018764, OMIM 614833.
Inborn genetic diseases. Identifiers: MedGen C0950123, MeSH D030342.

Allele frequency attached by ClinVar (database versions not stated): 1000 Genomes Project 0.00020; 1000 Genomes Project 30x 0.00016.
gnomAD v4.1: 120 of 1,613,876 alleles (0.0074%); highest among the groups gnomAD compares: African/African-American, 0.02%; no homozygotes.

Submissions (3):

Labcorp Genetics (formerly Invitae), Labcorp
Classification: Uncertain significance. Last evaluated: 2023-11-27. Review status: criteria provided, single submitter. Criteria: Invitae Variant Classification Sherloc (09022015). Collection method: clinical testing. Allele origin: germline.
Comment: This sequence change replaces isoleucine, which is neutral and non-polar, with phenylalanine, which is neutral and non-polar, at codon 2076 of the RTTN protein (p.Ile2076Phe). This variant is present in population databases (rs554677788, gnomAD 0.02%). This variant has not been reported in the literature in individuals affected with RTTN-related conditions. ClinVar contains an entry for this variant (Variation ID: 1345531). Advanced modeling of protein sequence and biophysical properties (such as structural, functional, and spatial information, amino acid conservation, physicochemical variation, residue mobility, and thermodynamic stability) performed at Invitae indicates that this missense variant is not expected to disrupt RTTN protein function with a negative predictive value of 80%. In summary, the available evidence is currently insufficient to determine the role of this variant in disease. Therefore, it has been classified as a Variant of Uncertain Significance.

Ambry Genetics
Classification: Uncertain significance for Inborn genetic diseases. Last evaluated: 2022-01-16. Review status: criteria provided, single submitter. Criteria: Ambry Variant Classification Scheme 2023. Collection method: clinical testing. Allele origin: germline.
Comment: The c.6226A>T (p.I2076F) alteration is located in exon 46 (coding exon 46) of the RTTN gene. This alteration results from an A to T substitution at nucleotide position 6226, causing the isoleucine (I) at amino acid position 2076 to be replaced by a phenylalanine (F). Based on data from the Genome Aggregation Database (gnomAD) database, the RTTN c.6226A>T alteration was observed in 0.005% (13/280666) of total alleles studied, with a frequency of 0.02% (5/24194) in the African subpopulation. This amino acid position is poorly conserved in available vertebrate species. The p.I2076F alteration is predicted to be tolerated by in silico analysis. Based on insufficient or conflicting evidence, the clinical significance of this alteration remains unclear.

Victorian Clinical Genetics Services, Murdoch Childrens Research Institute
Classification: Uncertain significance for Microcephalic primordial dwarfism due to RTTN deficiency. Last evaluated: 2020-10-19. Review status: criteria provided, single submitter. Criteria: ACMG Guidelines, 2015. Collection method: clinical testing. Allele origin: germline. Affected: yes.
Comment: Based on the classification scheme VCGS_Germline_v1.3.2, this variant is classified as VUS-3C. Following criteria are met: 0102 - Loss of function is a known mechanism of disease in this gene and is associated with microcephaly, short stature, and polymicrogyria with seizures. (I) 0106 - This gene is associated with autosomal recessive disease. (I) 0200 - Variant is predicted to result in a missense amino acid change from isoleucine to phenylalanine. (I) 0251 - This variant is heterozygous. (I) 0304 - Variant is present in gnomAD <0.01 for a recessive condition (13 heterozygotes, 0 homozygotes). (SP) 0503 - Missense variant consistently predicted to be tolerated by multiple in silico tools or not conserved in placental mammals with a minor amino acid change. (SB) 0604 - Variant is not located in an established domain, motif, hotspot or informative constraint region. (I) 0705 - No comparable missense variants have previous evidence for pathogenicity. (I) 0807 - This variant has no previous evidence of pathogenicity. (I) 0905 - No published segregation evidence has been identified for this variant. (I) 1007 - No published functional evidence has been identified for this variant. (I) Legend: (SP) - Supports Pathogenic, (I) - Information, (SB) - Supports Benign